The following is an entry in ClinVar:

ClinVar aggregate classification (germline): Pathogenic (1 of 4 stars; one submission).

Conditions:
Ehlers-Danlos syndrome, dermatosparaxis type. Also called: EDS VIIC; Dermatosparaxis; Ehlers-Danlos syndrome, type VII, autosomal recessive. Identifiers: Orphanet 1901, MedGen C2700425, MONDO:0009161, OMIM 225410.

Submission:

Myriad Genetics, Inc.
Classification: Pathogenic for Ehlers-Danlos syndrome, dermatosparaxis type. Last evaluated: 2024-05-14. Review status: criteria provided, single submitter. Criteria: Myriad Autosomal Dominant, Autosomal Recessive and X-Linked Classification Criteria (2023). Collection method: clinical testing. Allele origin: unknown.
Comment: NM_014244.4(ADAMTS2):c.85_86ins11(P29Lfs*140) is expected to be pathogenic in the context of Ehlers-Danlos syndrome, ADAMTS2-related. This variant is predicted to lead to an abnormal or absent protein product due to the creation of a premature termination codon in ADAMTS2, a gene where loss-of-function variants are known to be pathogenic. Please note: this variant was assessed in the context of healthy population screening.

NM_014244.5(ADAMTS2):c.85_86insTCTTATACACA (p.Pro29fs)

Gene: ADAMTS2 (ADAM metallopeptidase with thrombospondin type 1 motif 2; minus strand). Cytogenetic location: 5q35.3.
Variant type: Insertion.
Coding change: c.85_86insTCTTATACACA on transcript NM_014244.5 (MANE Select); coding-DNA positions 85 to 86, TCTTATACACA inserted.
Protein change: p.Pro29fs; shifts the reading frame from proline 29.
Molecular consequence: frameshift variant.
Genome position: GRCh38 VCF-style: chr5-179345243-G-GTGTGTATAAGA. GRCh37 (hg19) VCF-style: chr5-178772244-G-GTGTGTATAAGA.
Other names: c.85_86insTCTTATACACA, p.Pro29fs (NM_021599.4); short protein forms P29fs.
Identifiers: ClinVar variation 5016360 (VCV005016360.1).
Genomic context (GRCh38, chr5:179,345,243, plus strand): 5'-CACCTACCTGGGGGGTCGGCGGCGGCGGCGAGCCTGGCGTTCGCGGGCGGCGGCGGCGGC[G>GTGTGTATAAGA]GCAGGAGCGGCGGCGGCAGCAGCAGCAGCAGCAGCAGCAGCGCGGGGCAGAGCAGGCGGC-3'